The following is an entry in ClinVar:

NM_001089.3(ABCA3):c.4100G>A (p.Arg1367His)

Gene: ABCA3 (ATP binding cassette subfamily A member 3; minus strand). Cytogenetic location: 16p13.3.
Variant type: single nucleotide variant.
Coding change: c.4100G>A on transcript NM_001089.3 (MANE Select); coding-DNA position 4100, G replaced by A.
Protein change: p.Arg1367His; replaces arginine 1367 with histidine.
Molecular consequence: missense variant.
Genome position (GRCh38, 1-based): chr16:2,281,445, C>T on the plus strand (G>A on the coding strand, the complement: ABCA3 is on the minus strand). VCF-style: chr16-2281445-C-T. GRCh37 (hg19) VCF-style: chr16-2331446-C-T.
Other names: short protein forms R1367H.
Identifiers: ClinVar variation 1033686 (VCV001033686.3), dbSNP rs199636493, ClinGen allele CA7840253.
Genomic context (GRCh38, chr16:2,281,445, plus strand): 5'-GAGAGCTCCTTGATAATCAGAGGTGTGTGGAGCAGGGAGTCCGGACTGGGGGCCAGGATG[C>T]GGGTCCTCTCGTCCGCTACATCTTGGTCCTCAGGAAGCACAGGCATCCGGGTGTATAATT-3'
Protein context (NP_001080.2, residues 1357-1377): EDQDVADERT[Arg1367His]ILAPSPDSLL

ClinVar aggregate classification (germline): Uncertain significance. Review status: criteria provided, multiple submitters, no conflicts (2 of 4 stars). 2 submissions from 2 submitters: Uncertain significance (2). Last evaluated 2018-11-09.

Conditions:
Hereditary pulmonary alveolar proteinosis. Also called: Pulmonary surfactant metabolism dysfunction. Identifiers: Orphanet 264675, MedGen C3711368, MONDO:0012580.
Interstitial lung disease due to ABCA3 deficiency. Also called: PULMONARY ALVEOLAR PROTEINOSIS, CONGENITAL, 3. Identifiers: Orphanet 440402, MedGen C1970456, MONDO:0012582, OMIM 610921.

Allele frequency attached by ClinVar (database versions not stated): gnomAD 0.00001; gnomAD exomes 0.00001; ExAC 0.00002; 1000 Genomes Project 30x 0.00016; 1000 Genomes Project 0.00020.
gnomAD v4.1: 13 of 1,613,636 alleles (0.00081%); highest among the groups gnomAD compares: South Asian, 0.0022%; no homozygotes.

Submissions (2):

Baylor Genetics
Classification: Uncertain significance for Interstitial lung disease due to ABCA3 deficiency. Last evaluated: 2018-11-09. Review status: criteria provided, single submitter. Criteria: ACMG Guidelines, 2015. Collection method: clinical testing. Allele origin: maternal. Affected: yes.
Comment: This variant was determined to be of uncertain significance according to ACMG Guidelines, 2015 [PMID:25741868].

Ambry Genetics
Classification: Uncertain significance for Hereditary pulmonary alveolar proteinosis. Last evaluated: 2017-07-01. Review status: criteria provided, single submitter. Criteria: Ambry Variant Classification Scheme 2023. Collection method: clinical testing. Allele origin: germline.
Comment: The p.R1367H variant (also known as c.4100G>A), located in coding exon 24 of the ABCA3 gene, results from a G to A substitution at nucleotide position 4100. The arginine at codon 1367 is replaced by histidine, an amino acid with highly similar properties. This amino acid position is well conserved in available vertebrate species. In addition, the in silico prediction for this alteration is inconclusive. Since supporting evidence is limited at this time, the clinical significance of this alteration remains unclear.